The following is an entry in ClinVar:

ClinVar aggregate classification (germline): Pathogenic (1 of 4 stars; one submission).

Submission:

Labcorp Genetics (formerly Invitae), Labcorp
Classification: Pathogenic. Last evaluated: 2025-01-06. Review status: criteria provided, single submitter. Criteria: Invitae Variant Classification Sherloc (09022015). Collection method: clinical testing. Allele origin: germline.
Comment: This sequence change creates a premature translational stop signal (p.Glu221Aspfs*15) in the HOXD13 gene. It is expected to result in an absent or disrupted protein product. Loss-of-function variants in HOXD13 are known to be pathogenic (PMID: 18399101, 21782042, 21814222, 27254532). This variant is not present in population databases (gnomAD no frequency). This variant has not been reported in the literature in individuals affected with HOXD13-related conditions. For these reasons, this variant has been classified as Pathogenic.

Literature cited by the submitters: PubMed 18399101; PubMed 21782042; PubMed 21814222; PubMed 27254532.

NM_000523.4(HOXD13):c.663_664del (p.Glu221fs)

Gene: HOXD13 (homeobox D13; plus strand). Cytogenetic location: 2q31.1.
Variant type: Deletion.
Coding change: c.663_664del on transcript NM_000523.4 (MANE Select); coding-DNA positions 663 to 664, 2 bases deleted (GG; older notation c.663_664delGG).
Protein change: p.Glu221fs; shifts the reading frame from glutamic acid 221.
Molecular consequence: frameshift variant.
Genome position (GRCh38, 1-based): chr2:176,093,553-176,093,554, GG deleted. VCF-style (leftmost placement, unchanged base first): chr2-176093552-AGG-A. GRCh37 (hg19) VCF-style: chr2-176958280-AGG-A.
Other names: short protein forms E221fs.
Identifiers: ClinVar variation 3728565 (VCV003728565.2).